The following is an entry in ClinVar:

ClinVar aggregate classification (germline): Uncertain significance (1 of 4 stars; one submission).

Conditions:
Kabuki syndrome 1 (KABUK1). Also called: KMT2D-Related Kabuki Syndrome. Identifiers: Orphanet 2322, MedGen CN030661, MONDO:0007843, OMIM 147920.

Submission:

Victorian Clinical Genetics Services, Murdoch Childrens Research Institute
Classification: Uncertain significance for Kabuki syndrome 1. Last evaluated: 2018-11-12. Review status: criteria provided, single submitter. Criteria: ACMG Guidelines, 2015. Collection method: clinical testing. Allele origin: de novo. Affected: yes. Observed: 1 variant allele.
Comment: A heterozygous missense variant, NM_003482.3(KMT2D):c.12637C>T, has been identified in exon 39 of 54 of the KMT2D gene. The variant is predicted to result in a moderate amino acid change from histidine to tyrosine at position 4213 of the protein (NP_003473.3(KMT2D):p.(His4213Tyr)). The histidine residue at this position has high conservation (100 vertebrates, UCSC), and is located within the atrophin 1 superfamily domain. In silico predictions for this variant are consistently pathogenic (Polyphen, SIFT, CADD, Mutation Taster). The variant is absent in population databases (gnomAD, dbSNP, 1000G), and has not been previously reported in clinical cases. Analysis of parental samples indicated this variant is de novo, and is suspected to be in cis with the p.(Gln4090*) pathogenic variant. Based on the information available at the time of curation, this variant has been classified as VARIANT of UNCERTAIN SIGNIFICANCE (VUS).

NM_003482.4(KMT2D):c.12637C>T (p.His4213Tyr)

Gene: KMT2D (lysine methyltransferase 2D; minus strand). Cytogenetic location: 12q13.12.
Variant type: single nucleotide variant.
Coding change: c.12637C>T on transcript NM_003482.4 (MANE Select); coding-DNA position 12637, C replaced by T.
Protein change: p.His4213Tyr; replaces histidine 4213 with tyrosine.
Molecular consequence: missense variant.
Genome position (GRCh38, 1-based): chr12:49,032,068, G>A on the plus strand (C>T on the coding strand, the complement: KMT2D is on the minus strand). VCF-style: chr12-49032068-G-A. GRCh37 (hg19) VCF-style: chr12-49425851-G-A.
Other names: short protein forms H4213Y.
Identifiers: ClinVar variation 870384 (VCV000870384.2), dbSNP rs1942946917, ClinGen allele CA384710274.